The following is an entry in ClinVar:

ClinVar aggregate classification (germline): Uncertain significance (1 of 4 stars; one submission).

Conditions:
Spermatogenic failure 18. Identifiers: MedGen C4539783, MONDO:0054615, OMIM 617576.
Ciliary dyskinesia, primary, 37 (CILD37). Also called: CILIARY DYSKINESIA, PRIMARY, 37, WITH OR WITHOUT SITUS INVERSUS. Identifiers: MedGen C4539798, MONDO:0033204, OMIM 617577.

gnomAD v4.1: 4 of 1,613,630 alleles (0.00025%); no homozygotes.

Submission:

Labcorp Genetics (formerly Invitae), Labcorp
Classification: Uncertain significance for Ciliary dyskinesia, primary, 37; Spermatogenic failure 18. Last evaluated: 2023-02-13. Review status: criteria provided, single submitter. Criteria: Invitae Variant Classification Sherloc (09022015). Collection method: clinical testing. Allele origin: germline.
Comment: Advanced modeling of protein sequence and biophysical properties (such as structural, functional, and spatial information, amino acid conservation, physicochemical variation, residue mobility, and thermodynamic stability) has been performed at Invitae for this missense variant, however the output from this modeling did not meet the statistical confidence thresholds required to predict the impact of this variant on DNAH1 protein function. This variant has not been reported in the literature in individuals affected with DNAH1-related conditions. This variant is not present in population databases (gnomAD no frequency). This sequence change replaces proline, which is neutral and non-polar, with threonine, which is neutral and polar, at codon 3276 of the DNAH1 protein (p.Pro3276Thr). In summary, the available evidence is currently insufficient to determine the role of this variant in disease. Therefore, it has been classified as a Variant of Uncertain Significance.

NM_015512.5(DNAH1):c.9826C>A (p.Pro3276Thr)

Gene: DNAH1 (dynein axonemal heavy chain 1; plus strand). Cytogenetic location: 3p21.1.
Variant type: single nucleotide variant.
Coding change: c.9826C>A on transcript NM_015512.5 (MANE Select); coding-DNA position 9826, C replaced by A.
Protein change: p.Pro3276Thr; replaces proline 3276 with threonine.
Molecular consequence: missense variant.
Genome position (GRCh38, 1-based): chr3:52,391,263, C>A. VCF-style: chr3-52391263-C-A. GRCh37 (hg19) VCF-style: chr3-52425279-C-A.
Other names: short protein forms P3276T.
Identifiers: ClinVar variation 2420441 (VCV002420441.7), dbSNP rs2471283689, ClinGen allele CA353197929.